The following is an entry in ClinVar:

NM_001711.6(BGN):c.322G>A (p.Asp108Asn)

Gene: BGN (biglycan; plus strand). Cytogenetic location: Xq28.
Variant type: single nucleotide variant.
Coding change: c.322G>A on transcript NM_001711.6 (MANE Select); coding-DNA position 322, G replaced by A.
Protein change: p.Asp108Asn; replaces aspartic acid 108 with asparagine.
Molecular consequence: missense variant.
Genome position (GRCh38, 1-based): chrX:153,505,321, G>A. VCF-style: chrX-153505321-G-A. GRCh37 (hg19) VCF-style: chrX-152770779-G-A.
Other names: short protein forms D108N.
Identifiers: ClinVar variation 2450209 (VCV002450209.3), dbSNP rs2089791798, ClinGen allele CA415068871.

ClinVar aggregate classification (germline): Uncertain significance. Review status: criteria provided, multiple submitters, no conflicts (2 of 4 stars). 2 submissions from 2 submitters: Uncertain significance (2). Last evaluated 2025-12-17.

Conditions:
Cardiovascular phenotype. Identifiers: MedGen CN230736.

Allele frequency attached by ClinVar (database versions not stated): gnomAD exomes below 0.00001.
gnomAD v4.1: 1 of 1,210,617 alleles (0.000083%); highest among the groups gnomAD compares: Non-Finnish European, 0.00011%; no homozygotes.

Submissions (2):

Labcorp Genetics (formerly Invitae), Labcorp
Classification: Uncertain significance. Last evaluated: 2025-12-17. Review status: criteria provided, single submitter. Criteria: Invitae Variant Classification Sherloc (09022015). Collection method: clinical testing. Allele origin: germline.
Comment: This sequence change replaces aspartic acid, which is acidic and polar, with asparagine, which is neutral and polar, at codon 108 of the BGN protein (p.Asp108Asn). This variant is not present in population databases (gnomAD no frequency). This variant has not been reported in the literature in individuals affected with BGN-related conditions. ClinVar contains an entry for this variant (Variation ID: 2450209). Invitae Evidence Modeling of protein sequence and biophysical properties (such as structural, functional, and spatial information, amino acid conservation, physicochemical variation, residue mobility, and thermodynamic stability) indicates that this missense variant is not expected to disrupt BGN protein function with a negative predictive value of 80%. In summary, the available evidence is currently insufficient to determine the role of this variant in disease. Therefore, it has been classified as a Variant of Uncertain Significance.

Ambry Genetics
Classification: Uncertain significance for Cardiovascular phenotype. Last evaluated: 2022-12-31. Review status: criteria provided, single submitter. Criteria: Ambry Variant Classification Scheme 2023. Collection method: clinical testing. Allele origin: germline.
Comment: The p.D108N variant (also known as c.322G>A), located in coding exon 2 of the BGN gene, results from a G to A substitution at nucleotide position 322. The aspartic acid at codon 108 is replaced by asparagine, an amino acid with highly similar properties. This amino acid position is conserved. In addition, this alteration is predicted to be tolerated by in silico analysis. Since supporting evidence is limited at this time, the clinical significance of this alteration remains unclear.